The following is an entry in ClinVar:

ClinVar aggregate classification (germline): Pathogenic (1 of 4 stars; one submission).

Conditions:
Renal cysts and diabetes syndrome (RCAD). Also called: Familial hypoplastic, glomerulocystic kidney; MATURITY-ONSET DIABETES OF THE YOUNG, TYPE 5. Identifiers: Orphanet 93111, MedGen C0431693, MONDO:0007669, OMIM 137920.

Submission:

Institute of Human Genetics, FAU Erlangen, Friedrich-Alexander-Universität Erlangen-Nürnberg
Classification: Pathogenic for Renal cysts and diabetes syndrome. Last evaluated: 2019-07-06. Review status: criteria provided, single submitter. Criteria: ACMG Guidelines, 2015. Collection method: literature only. Allele origin: germline. Affected: yes.
Comment: This variant and it's classification has been reported by Vasileiou et al. 2019; DOI:10.1101/576918. The variants has previously been reported in PMID:20378641; PMID:25700310; PMID:20378641; PMID:24897035; PMID:20378641; PMID:25536396 as "IVS1 345-1G->A; c.345-1G>A; c.345-1 G>A Splice site mutation; c.345-1G>A" with clinical significance Pathogenic. It has been re-classified using InterVar and manual curation as Pathogenic based on PVS1 PM2 PP3.

Literature cited by the submitters: PubMed 20378641; PubMed 25700310; PubMed 24897035; PubMed 25536396; DOI 10.1101/576918.

NM_000458.4(HNF1B):c.345-1G>A

Gene: HNF1B (HNF1 homeobox B; minus strand). Cytogenetic location: 17q12.
Variant type: single nucleotide variant.
Coding change: c.345-1G>A on transcript NM_000458.4 (MANE Select); the canonical splice acceptor site of the intron before coding-DNA position 345, G replaced by A.
Molecular consequence: splice acceptor variant.
Genome position (GRCh38, 1-based): chr17:37,739,640, C>T on the plus strand (G>A on the coding strand, the complement: HNF1B is on the minus strand). VCF-style: chr17-37739640-C-T. GRCh37 (hg19) VCF-style: chr17-36099631-C-T.
Other names: c.345-1G>A (NM_001304286.2, NM_001165923.4, NM_001411100.1).
Identifiers: ClinVar variation 635711 (VCV000635711.1), dbSNP rs193922488, ClinGen allele CA398751764.